The following is an entry in ClinVar:

ClinVar aggregate classification (germline): Pathogenic/Likely pathogenic. Review status: criteria provided, multiple submitters, no conflicts (2 of 4 stars). 3 submissions from 3 submitters: Pathogenic (2); Likely pathogenic (1). Last evaluated 2025-10-21.

Conditions:
Alport syndrome. Also called: Hemorrhagic familial nephritis; Hemorrhagic hereditary nephritis; Congenital hereditary hematuria. Identifiers: Orphanet 63, MedGen C1567741, MONDO:0018965.

Allele frequency attached by ClinVar (database versions not stated): TOPMed below 0.00001; gnomAD 0.00001.

Submissions (3):

Natera, Inc.
Classification: Likely pathogenic for Alport syndrome. Last evaluated: 2025-10-21. Review status: criteria provided, single submitter. Criteria: Natera Variant Classification Schema (03/2026). Collection method: clinical testing. Allele origin: germline.
Comment: The c.1051C>T variant in COL4A3 is a nonsense variant predicted to introduce a stop codon at amino acid 351. This variant is expected to result in nonsense mediated decay, truncation, or a dysfunctional protein product. This variant is rare in the general population with a frequency below the threshold expected for the associated phenotype(s). Given the available evidence, this variant is classified as Likely Pathogenic.

Myriad Genetics, Inc.
Classification: Pathogenic for Alport syndrome. Last evaluated: 2024-05-08. Review status: criteria provided, single submitter. Criteria: Myriad Autosomal Dominant, Autosomal Recessive and X-Linked Classification Criteria (2023). Collection method: clinical testing. Allele origin: unknown.
Comment: NM_000091.4(COL4A3):c.1051C>T(Q351*) is expected to be pathogenic in the context of Alport syndrome, COL4A3-related. This variant is predicted to lead to an abnormal or absent protein product due to the creation of a premature termination codon in COL4A3, a gene where loss-of-function variants are known to be pathogenic. Please note: this variant was assessed in the context of healthy population screening.

Labcorp Genetics (formerly Invitae), Labcorp
Classification: Pathogenic. Last evaluated: 2018-12-22. Review status: criteria provided, single submitter. Criteria: Invitae Variant Classification Sherloc (09022015). Collection method: clinical testing. Allele origin: germline.
Comment: This sequence change creates a premature translational stop signal (p.Gln351*) in the COL4A3 gene. It is expected to result in an absent or disrupted protein product. This variant is not present in population databases (ExAC no frequency). This variant has not been reported in the literature in individuals with COL4A3-related conditions. Loss-of-function variants in COL4A3 are known to be pathogenic (PMID: 8956999, 24854265). For these reasons, this variant has been classified as Pathogenic.

Literature cited by the submitters: PubMed 8956999 (cited by Labcorp Genetics (formerly Invitae), Labcorp); PubMed 24854265 (cited by Labcorp Genetics (formerly Invitae), Labcorp).

NM_000091.5(COL4A3):c.1051C>T (p.Gln351Ter)

Genes: COL4A3 (collagen type IV alpha 3 chain; plus strand), MFF-DT (MFF divergent transcript; minus strand). Cytogenetic location: 2q36.3.
Variant type: single nucleotide variant.
Coding change: c.1051C>T on transcript NM_000091.5 (MANE Select); coding-DNA position 1051, C replaced by T.
Protein change: p.Gln351Ter; replaces glutamine 351 with a stop codon.
Molecular consequence: nonsense.
Genome position (GRCh38, 1-based): chr2:227,259,814, C>T. VCF-style: chr2-227259814-C-T. GRCh37 (hg19) VCF-style: chr2-228124530-C-T.
Other names: short protein forms Q351*.
Identifiers: ClinVar variation 655841 (VCV000655841.8), dbSNP rs1218470259, ClinGen allele CA350868250.
Genomic context (GRCh38, chr2:227,259,814, plus strand): 5'-AGCTATCCTTTCTCTGTATTTGTTTCTTTCTCCTCTAAGACAGAATATTATGACACATAC[C>T]AGGAAAAGGGAGATGAAGGCACTCCAGGCCCACCAGGGCCCAGAGGAGCTCGTGGCCCAC-3'